The following is an entry in ClinVar:

NM_001374736.1(DST):c.1779-293G>A

Gene: DST (dystonin; minus strand). Cytogenetic location: 6p12.1.
Variant type: single nucleotide variant.
Coding change: c.1779-293G>A on transcript NM_001374736.1 (MANE Select); 293 bases into the intron before coding-DNA position 1779, G replaced by A.
Molecular consequence: intron variant. On other transcripts: 5 prime UTR variant (2).
Genome position (GRCh38, 1-based): chr6:56,642,796, C>T on the plus strand (G>A on the coding strand, the complement: DST is on the minus strand). VCF-style: chr6-56642796-C-T. GRCh37 (hg19) VCF-style: chr6-56507594-C-T.
Other names: c.-8G>A (NM_001723.7, NM_015548.5); c.1680-293G>A (NM_001144769.5); c.1779-293G>A (NM_001374722.1); c.1806-293G>A (NM_001374734.1); c.1266-293G>A (NM_001144770.2); c.1146-293G>A (NM_001374730.1, NM_001386100.1, NM_183380.4 and 1 more transcripts).
Identifiers: ClinVar variation 3052502 (VCV003052502.2), dbSNP rs192721247, ClinGen allele CA3871617.

ClinVar aggregate classification (germline): Likely benign (0 of 4 stars; one submission).

Conditions:
DST-related disorder. Also called: DST-related condition; DST-related disorders.

Allele frequency attached by ClinVar (database versions not stated): TOPMed 0.00016; gnomAD exomes 0.00019; gnomAD 0.00021; 1000 Genomes Project 30x 0.00062; ExAC 0.00064; 1000 Genomes Project 0.00080.
gnomAD v4.1: 326 of 1,613,726 alleles (0.02%); highest among the groups gnomAD compares: East Asian, 0.2%; no homozygotes.

Submission:

PreventionGenetics, part of Exact Sciences
Classification: Likely benign for DST-related condition. Last evaluated: 2019-09-03. Review status: no assertion criteria provided. Collection method: clinical testing. Allele origin: germline.
Comment: This variant is classified as likely benign based on ACMG/AMP sequence variant interpretation guidelines (Richards et al. 2015 PMID: 25741868, with internal and published modifications).